The following is an entry in ClinVar:

ClinVar aggregate classification (germline): Uncertain significance (1 of 4 stars; one submission).

Allele frequency attached by ClinVar (database versions not stated): gnomAD 0.00002 and 0.00003; TOPMed 0.00002.
gnomAD v4.1: 3 of 1,613,944 alleles (0.00019%); highest among the groups gnomAD compares: African/African-American, 0.004%; no homozygotes.

Submission:

Labcorp Genetics (formerly Invitae), Labcorp
Classification: Uncertain significance. Last evaluated: 2022-08-16. Review status: criteria provided, single submitter. Criteria: Invitae Variant Classification Sherloc (09022015). Collection method: clinical testing. Allele origin: germline.
Comment: This sequence change replaces asparagine, which is neutral and polar, with aspartic acid, which is acidic and polar, at codon 2195 of the FAT4 protein (p.Asn2195Asp). This variant is not present in population databases (gnomAD no frequency). This variant has not been reported in the literature in individuals affected with FAT4-related conditions. ClinVar contains an entry for this variant (Variation ID: 1509282). Advanced modeling of protein sequence and biophysical properties (such as structural, functional, and spatial information, amino acid conservation, physicochemical variation, residue mobility, and thermodynamic stability) performed at Invitae indicates that this missense variant is not expected to disrupt FAT4 protein function. In summary, the available evidence is currently insufficient to determine the role of this variant in disease. Therefore, it has been classified as a Variant of Uncertain Significance.

NM_001291303.3(FAT4):c.6583A>G (p.Asn2195Asp)

Gene: FAT4 (FAT atypical cadherin 4; plus strand). Cytogenetic location: 4q28.1.
Variant type: single nucleotide variant.
Coding change: c.6583A>G on transcript NM_001291303.3 (MANE Select); coding-DNA position 6583, A replaced by G.
Protein change: p.Asn2195Asp; replaces asparagine 2195 with aspartic acid.
Molecular consequence: missense variant.
Genome position (GRCh38, 1-based): chr4:125,415,546, A>G. VCF-style: chr4-125415546-A-G. GRCh37 (hg19) VCF-style: chr4-126336701-A-G.
Other names: c.6583A>G, p.Asn2195Asp (NM_001291285.3, NM_024582.6); short protein forms N2195D.
Identifiers: ClinVar variation 1509282 (VCV001509282.5), dbSNP rs1345737224, ClinGen allele CA358130116.